The following is an entry in ClinVar:

ClinVar aggregate classification (germline): Conflicting classifications of pathogenicity. Review status: criteria provided, conflicting classifications (1 of 4 stars). 2 submissions from 2 submitters: Uncertain significance (1); Likely benign (1). Last evaluated 2025-04-28.

Submissions (2):

Labcorp Genetics (formerly Invitae), Labcorp
Classification: Likely benign. Last evaluated: 2025-04-28. Review status: criteria provided, single submitter. Criteria: Invitae Variant Classification Sherloc (09022015). Collection method: clinical testing. Allele origin: germline.

GeneDx
Classification: Uncertain significance. Last evaluated: 2024-10-22. Review status: criteria provided, single submitter. Criteria: GeneDx Variant Classification Process June 2021. Collection method: clinical testing. Allele origin: germline. Affected: yes.
Comment: In-frame duplication of 3 amino acids in a repetitive region with no known function; Has not been previously published as pathogenic or benign to our knowledge

NM_001371928.1(AHDC1):c.3254CCT[10] (p.Ser1091_Phe1092insSerSerSer)

Gene: AHDC1 (AT-hook DNA binding motif containing 1; minus strand). Cytogenetic location: 1p36.11.
Variant type: Microsatellite.
Coding change: c.3254CCT[10] on transcript NM_001371928.1 (MANE Select); ten copies in a row of the 3-base unit CCT starting at c.3254; the reference has seven copies in a row; three copies, 9 bases duplicated.
Protein change: p.Ser1091_Phe1092insSerSerSer.
Molecular consequence: inframe insertion.
Genome position (GRCh38, 1-based): chr1:27,548,842-27,548,850, AGGAGGAGG duplicated on the plus strand (CCTCCTCCT on the coding strand, the reverse complement: AHDC1 is on the minus strand); duplicating any 9 consecutive bases within chr1:27,548,842-27,548,862 gives the same sequence; the position shown is the placement nearest the transcript's 3' end. VCF-style (leftmost placement, unchanged base first): chr1-27548841-A-AAGGAGGAGG. GRCh37 (hg19) VCF-style: chr1-27875352-A-AAGGAGGAGG.
Other names: c.3266_3274dup (NM_001029882.2); c.3254CCT[10], p.Ser1091_Phe1092insSerSerSer (NM_001029882.3).
Identifiers: ClinVar variation 3620651 (VCV003620651.3).